The following is an entry in ClinVar:

ClinVar aggregate classification (germline): Likely benign (0 of 4 stars; one submission).

Conditions:
CTBP2-related disorder. Also called: CTBP2-related condition.

Submission:

PreventionGenetics, part of Exact Sciences
Classification: Likely benign for CTBP2-related condition. Last evaluated: 2024-04-18. Review status: no assertion criteria provided. Collection method: clinical testing. Allele origin: germline.
Comment: This variant is classified as likely benign based on ACMG/AMP sequence variant interpretation guidelines (Richards et al. 2015 PMID: 25741868, with internal and published modifications).

NM_001329.4(CTBP2):c.58+11362C>T

Gene: CTBP2 (C-terminal binding protein 2; minus strand). Cytogenetic location: 10q26.13.
Variant type: single nucleotide variant.
Coding change: c.58+11362C>T on transcript NM_001329.4 (MANE Select); 11362 bases into the intron after coding-DNA position 58, C replaced by T.
Molecular consequence: intron variant. On other transcripts: missense variant (1).
Genome position (GRCh38, 1-based): chr10:125,027,635, G>A on the plus strand (C>T on the coding strand, the complement: CTBP2 is on the minus strand). VCF-style: chr10-125027635-G-A. GRCh37 (hg19) VCF-style: chr10-126716204-G-A.
Other names: c.125C>T, p.Thr42Met (NM_022802.3); c.58+11362C>T (NM_001083914.3, NM_001290214.3, NM_001321012.2 and 3 more transcripts); short protein forms T42M.
Identifiers: ClinVar variation 3356285 (VCV003356285.1).